The following is an entry in ClinVar:

NM_001365999.1(SZT2):c.6779G>A (p.Arg2260Gln)

Gene: SZT2 (SZT2 subunit of KICSTOR complex; plus strand). Cytogenetic location: 1p34.2.
Variant type: single nucleotide variant.
Coding change: c.6779G>A on transcript NM_001365999.1 (MANE Select); coding-DNA position 6779, G replaced by A.
Protein change: p.Arg2260Gln; replaces arginine 2260 with glutamine.
Molecular consequence: missense variant.
Genome position (GRCh38, 1-based): chr1:43,439,080, G>A. VCF-style: chr1-43439080-G-A. GRCh37 (hg19) VCF-style: chr1-43904751-G-A.
Other names: c.6608G>A, p.Arg2203Gln (NM_015284.4); short protein forms R2203Q, R2260Q.
Identifiers: ClinVar variation 662175 (VCV000662175.11), dbSNP rs374546223, ClinGen allele CA809996.

ClinVar aggregate classification (germline): Uncertain significance. Review status: criteria provided, multiple submitters, no conflicts (2 of 4 stars). 5 submissions from 5 submitters: Uncertain significance (5). Last evaluated 2024-10-20.

Conditions:
Developmental and epileptic encephalopathy, 18 (DEE18). Also called: Early infantile epileptic encephalopathy 18. Identifiers: Orphanet 369894, MedGen C3809624, MONDO:0014201, OMIM 615476.
Inborn genetic diseases. Identifiers: MedGen C0950123, MeSH D030342.

Allele frequency attached by ClinVar (database versions not stated): gnomAD 0.00007 and 0.00009; TOPMed 0.00007; gnomAD exomes 0.00002 and 0.00005; ExAC 0.00005; ESP Exome Variant Server 0.00008.
gnomAD v4.1: 47 of 1,614,014 alleles (0.0029%); highest among the groups gnomAD compares: African/African-American, 0.019%; no homozygotes.

Submissions (5):

Ambry Genetics
Classification: Uncertain significance for Inborn genetic diseases. Last evaluated: 2024-10-20. Review status: criteria provided, single submitter. Criteria: Ambry Variant Classification Scheme 2023. Collection method: clinical testing. Allele origin: germline.

Revvity Omics, Revvity
Classification: Uncertain significance for Developmental and epileptic encephalopathy, 18. Last evaluated: 2024-02-08. Review status: criteria provided, single submitter. Criteria: ACMG Guidelines, 2015. Collection method: clinical testing. Allele origin: germline.

Labcorp Genetics (formerly Invitae), Labcorp
Classification: Uncertain significance. Last evaluated: 2023-12-11. Review status: criteria provided, single submitter. Criteria: Invitae Variant Classification Sherloc (09022015). Collection method: clinical testing. Allele origin: germline.
Comment: This sequence change replaces arginine, which is basic and polar, with glutamine, which is neutral and polar, at codon 2203 of the SZT2 protein (p.Arg2203Gln). This variant is present in population databases (rs374546223, gnomAD 0.03%). This variant has not been reported in the literature in individuals affected with SZT2-related conditions. ClinVar contains an entry for this variant (Variation ID: 662175). Advanced modeling of protein sequence and biophysical properties (such as structural, functional, and spatial information, amino acid conservation, physicochemical variation, residue mobility, and thermodynamic stability) performed at Invitae indicates that this missense variant is not expected to disrupt SZT2 protein function with a negative predictive value of 80%. In summary, the available evidence is currently insufficient to determine the role of this variant in disease. Therefore, it has been classified as a Variant of Uncertain Significance.

Genome-Nilou Lab
Classification: Uncertain significance for Developmental and epileptic encephalopathy, 18. Last evaluated: 2023-04-11. Review status: criteria provided, single submitter. Criteria: ACMG Guidelines, 2015. Collection method: clinical testing. Allele origin: germline. Affected: no.

New York Genome Center
Classification: Uncertain significance for Developmental and epileptic encephalopathy, 18. Last evaluated: 2021-09-03. Review status: criteria provided, single submitter. Criteria: NYGC Assertion Criteria 2020. Collection method: clinical testing. Allele origin: germline. Observed: 1 variant allele. Study: CSER-NYCKidSeq.